The following is an entry in ClinVar:

ClinVar aggregate classification (germline): Uncertain significance. Review status: criteria provided, multiple submitters, no conflicts (2 of 4 stars). 2 submissions from 2 submitters: Uncertain significance (2). Last evaluated 2025-04-19.

Conditions:
Primary dilated cardiomyopathy (DCM). Also called: Dilated Cardiomyopathy. Identifiers: Orphanet 217604, MedGen C0007193, MeSH D002311, MONDO:0005021, HP:0001644. Inheritance: Various modes of inheritance.

Allele frequency attached by ClinVar (database versions not stated): gnomAD 0.00001; gnomAD exomes 0.00001 and 0.00004; ExAC 0.00002; TOPMed 0.00002.
gnomAD v4.1: 18 of 1,613,960 alleles (0.0011%); highest among the groups gnomAD compares: Admixed American, 0.02%; no homozygotes.

Submissions (2):

Ambry Genetics
Classification: Uncertain significance. Last evaluated: 2025-04-19. Review status: criteria provided, single submitter. Criteria: Ambry Variant Classification Scheme 2023. Collection method: clinical testing. Allele origin: germline.
Comment: The p.P666S variant (also known as c.1996C>T), located in coding exon 20 of the NEBL gene, results from a C to T substitution at nucleotide position 1996. The proline at codon 666 is replaced by serine, an amino acid with similar properties. This amino acid position is conserved. In addition, this alteration is predicted to be tolerated by in silico analysis. Since supporting evidence is limited at this time, the clinical significance of this alteration remains unclear.

Labcorp Genetics (formerly Invitae), Labcorp
Classification: Uncertain significance for Primary dilated cardiomyopathy. Last evaluated: 2022-06-23. Review status: criteria provided, single submitter. Criteria: Invitae Variant Classification Sherloc (09022015). Collection method: clinical testing. Allele origin: germline.
Comment: In summary, the available evidence is currently insufficient to determine the role of this variant in disease. Therefore, it has been classified as a Variant of Uncertain Significance. Algorithms developed to predict the effect of missense changes on protein structure and function are either unavailable or do not agree on the potential impact of this missense change (SIFT: "Deleterious"; PolyPhen-2: "Probably Damaging"; Align-GVGD: "Class C0"). ClinVar contains an entry for this variant (Variation ID: 1057405). This variant has not been reported in the literature in individuals affected with NEBL-related conditions. This variant is present in population databases (rs772963438, gnomAD 0.02%). This sequence change replaces proline, which is neutral and non-polar, with serine, which is neutral and polar, at codon 666 of the NEBL protein (p.Pro666Ser).

NM_006393.3(NEBL):c.1996C>T (p.Pro666Ser)

Gene: NEBL (nebulette; minus strand). Cytogenetic location: 10p12.31.
Variant type: single nucleotide variant.
Coding change: c.1996C>T on transcript NM_006393.3 (MANE Select); coding-DNA position 1996, C replaced by T.
Protein change: p.Pro666Ser; replaces proline 666 with serine.
Molecular consequence: missense variant. On other transcripts: intron variant (9).
Genome position (GRCh38, 1-based): chr10:20,819,483, G>A on the plus strand (C>T on the coding strand, the complement: NEBL is on the minus strand). VCF-style: chr10-20819483-G-A. GRCh37 (hg19) VCF-style: chr10-21108412-G-A.
Other names: c.250-6543C>T (NM_001377326.1, NM_001377327.1, NM_001377328.1); c.358-6543C>T (NM_213569.2, NM_001173484.2, NM_001377322.1); c.301-6543C>T (NM_001377324.1); c.292-6543C>T (NM_001377325.1); c.310-6543C>T (NM_001377323.1); c.1996C>T (NM_006393.2); short protein forms P666S.
Identifiers: ClinVar variation 1057405 (VCV001057405.11), dbSNP rs772963438, ClinGen allele CA5432657.